The following is an entry in ClinVar:

NM_002519.3(NPAT):c.861C>G (p.Asn287Lys)

Gene: NPAT (nuclear protein, coactivator of histone transcription; minus strand). Cytogenetic location: 11q22.3.
Variant type: single nucleotide variant.
Coding change: c.861C>G on transcript NM_002519.3 (MANE Select); coding-DNA position 861, C replaced by G.
Protein change: p.Asn287Lys; replaces asparagine 287 with lysine.
Molecular consequence: missense variant.
Genome position (GRCh38, 1-based): chr11:108,185,277, G>C on the plus strand (C>G on the coding strand, the complement: NPAT is on the minus strand). VCF-style: chr11-108185277-G-C. GRCh37 (hg19) VCF-style: chr11-108056004-G-C.
Other names: c.861C>G, p.Asn287Lys (NM_001321307.1); short protein forms N287K.
Identifiers: ClinVar variation 1764056 (VCV001764056.2), dbSNP rs34021883, ClinGen allele CA382519977.

ClinVar aggregate classification (germline): Uncertain significance (1 of 4 stars; one submission).

gnomAD v4.1: 2 of 1,612,308 alleles (0.00012%); highest among the groups gnomAD compares: Non-Finnish European, 0.000085%; no homozygotes.

Submission:

Ambry Genetics
Classification: Uncertain significance. Last evaluated: 2024-01-24. Review status: criteria provided, single submitter. Criteria: Ambry Variant Classification Scheme 2023. Collection method: clinical testing. Allele origin: germline.
Comment: The p.N287K variant (also known as c.861C>G), located in coding exon 10 of the NPAT gene, results from a C to G substitution at nucleotide position 861. The asparagine at codon 287 is replaced by lysine, an amino acid with similar properties. This amino acid position is conserved. In addition, this alteration is predicted to be tolerated by in silico analysis. Since supporting evidence is limited at this time, the clinical significance of this alteration remains unclear.